The following is an entry in ClinVar:

ClinVar aggregate classification (germline): not provided (0 of 4 stars; one submission).

Allele frequency attached by ClinVar (database versions not stated): gnomAD 0.00001 and 0.00002; TOPMed 0.00001.
gnomAD v4.1: 3 of 1,451,558 alleles (0.00021%); highest among the groups gnomAD compares: Non-Finnish European, 0.00029%; no homozygotes.

Submission:

Human Evolutionary Genetics, Institut Pasteur
No classification provided. Review status: no classification provided. Collection method: not provided. Allele origin: germline.
ClinVar note: Converted during submission from untested to not provided.

NM_176822.4(NLRP14):c.*55G>C

Gene: NLRP14 (NLR family pyrin domain containing 14; plus strand). Cytogenetic location: 11p15.4.
Variant type: single nucleotide variant.
Coding change: c.*55G>C on transcript NM_176822.4 (MANE Select); 55 bases downstream of the stop codon, G replaced by C.
Molecular consequence: 3 prime UTR variant.
Genome position (GRCh38, 1-based): chr11:7,071,363, G>C. VCF-style: chr11-7071363-G-C. GRCh37 (hg19) VCF-style: chr11-7092594-G-C.
Identifiers: ClinVar variation 103340 (VCV000103340.2), dbSNP rs199475892, ClinGen allele CA230442.